The following is an entry in ClinVar:

NM_003200.5(TCF3):c.1172G>C (p.Ser391Thr)

Gene: TCF3 (transcription factor 3; minus strand). Cytogenetic location: 19p13.3.
Variant type: single nucleotide variant.
Coding change: c.1172G>C on transcript NM_003200.5 (MANE Select); coding-DNA position 1172, G replaced by C.
Protein change: p.Ser391Thr; replaces serine 391 with threonine.
Molecular consequence: missense variant.
Genome position (GRCh38, 1-based): chr19:1,619,470, C>G on the plus strand (G>C on the coding strand, the complement: TCF3 is on the minus strand). VCF-style: chr19-1619470-C-G. GRCh37 (hg19) VCF-style: chr19-1619469-C-G.
Other names: c.1172G>C, p.Ser391Thr (NM_001136139.4, NM_001351779.2); c.1169G>C, p.Ser390Thr (NM_001351778.2); short protein forms S390T, S391T.
Identifiers: ClinVar variation 3664276 (VCV003664276.2).

ClinVar aggregate classification (germline): Uncertain significance (1 of 4 stars; one submission).

Submission:

Labcorp Genetics (formerly Invitae), Labcorp
Classification: Uncertain significance. Last evaluated: 2024-09-08. Review status: criteria provided, single submitter. Criteria: Invitae Variant Classification Sherloc (09022015). Collection method: clinical testing. Allele origin: germline.
Comment: This sequence change replaces serine, which is neutral and polar, with threonine, which is neutral and polar, at codon 391 of the TCF3 protein (p.Ser391Thr). This variant is not present in population databases (gnomAD no frequency). This variant has not been reported in the literature in individuals affected with TCF3-related conditions. Invitae Evidence Modeling of protein sequence and biophysical properties (such as structural, functional, and spatial information, amino acid conservation, physicochemical variation, residue mobility, and thermodynamic stability) indicates that this missense variant is not expected to disrupt TCF3 protein function with a negative predictive value of 80%. Algorithms developed to predict the effect of sequence changes on RNA splicing suggest that this variant may create or strengthen a splice site. In summary, the available evidence is currently insufficient to determine the role of this variant in disease. Therefore, it has been classified as a Variant of Uncertain Significance.